The following is an entry in ClinVar:

ClinVar aggregate classification (germline): Uncertain significance. Review status: criteria provided, multiple submitters, no conflicts (2 of 4 stars). 3 submissions from 3 submitters: Uncertain significance (3). Last evaluated 2026-01-12.

Allele frequency attached by ClinVar (database versions not stated): TOPMed 0.00002.
gnomAD v4.1: 49 of 1,613,876 alleles (0.003%); highest among the groups gnomAD compares: Non-Finnish European, 0.0021%; no homozygotes.

Submissions (3):

Labcorp Genetics (formerly Invitae), Labcorp
Classification: Uncertain significance. Last evaluated: 2026-01-12. Review status: criteria provided, single submitter. Criteria: Invitae Variant Classification Sherloc (09022015). Collection method: clinical testing. Allele origin: germline.
Comment: This sequence change replaces threonine, which is neutral and polar, with asparagine, which is neutral and polar, at codon 32 of the SYNE4 protein (p.Thr32Asn). This variant is present in population databases (rs565009900, gnomAD 0.04%). This variant has not been reported in the literature in individuals affected with SYNE4-related conditions. ClinVar contains an entry for this variant (Variation ID: 2167019). Invitae Evidence Modeling of protein sequence and biophysical properties (such as structural, functional, and spatial information, amino acid conservation, physicochemical variation, residue mobility, and thermodynamic stability) indicates that this missense variant is not expected to disrupt SYNE4 protein function with a negative predictive value of 80%. In summary, the available evidence is currently insufficient to determine the role of this variant in disease. Therefore, it has been classified as a Variant of Uncertain Significance.

Ambry Genetics
Classification: Uncertain significance. Last evaluated: 2025-09-28. Review status: criteria provided, single submitter. Criteria: Ambry Variant Classification Scheme 2023. Collection method: clinical testing. Allele origin: germline.

Blueprint Genetics
Classification: Uncertain significance. Last evaluated: 2024-11-11. Review status: criteria provided, single submitter. Criteria: ACMG Guidelines, 2015. Collection method: clinical testing. Allele origin: germline.

NM_001039876.3(SYNE4):c.95C>A (p.Thr32Asn)

Gene: SYNE4 (spectrin repeat containing nuclear envelope family member 4; minus strand). Cytogenetic location: 19q13.12.
Variant type: single nucleotide variant.
Coding change: c.95C>A on transcript NM_001039876.3 (MANE Select); coding-DNA position 95, C replaced by A.
Protein change: p.Thr32Asn; replaces threonine 32 with asparagine.
Molecular consequence: missense variant.
Genome position (GRCh38, 1-based): chr19:36,008,587, G>T on the plus strand (C>A on the coding strand, the complement: SYNE4 is on the minus strand). VCF-style: chr19-36008587-G-T. GRCh37 (hg19) VCF-style: chr19-36499489-G-T.
Other names: c.95C>A, p.Thr32Asn (NM_001297735.3); c.95C>A (NM_001039876.1); short protein forms T32N.
Identifiers: ClinVar variation 2167019 (VCV002167019.4), dbSNP rs565009900, ClinGen allele CA9394059.